The following is an entry in ClinVar:

ClinVar aggregate classification (germline): Uncertain significance (1 of 4 stars; one submission).

Conditions:
Hereditary cancer-predisposing syndrome. Also called: Tumor predisposition; Hereditary neoplastic syndrome; Hereditary Cancer Syndrome; Neoplastic Syndromes, Hereditary. Identifiers: Orphanet 140162, MedGen C0027672, MeSH D009386, MONDO:0015356.

gnomAD v4.1: 4 of 1,613,550 alleles (0.00025%); highest among the groups gnomAD compares: Non-Finnish European, 0.00034%; no homozygotes.

Submission:

Ambry Genetics
Classification: Uncertain significance for Hereditary cancer-predisposing syndrome. Last evaluated: 2025-04-11. Review status: criteria provided, single submitter. Criteria: Ambry Variant Classification Scheme 2023. Collection method: clinical testing. Allele origin: germline.
Comment: The p.L571V variant (also known as c.1711C>G), located in coding exon 15 of the TSC2 gene, results from a C to G substitution at nucleotide position 1711. The leucine at codon 571 is replaced by valine, an amino acid with highly similar properties. This amino acid position is conserved. In addition, the in silico prediction for this alteration is inconclusive. Based on the available evidence, the clinical significance of this variant remains unclear.

NM_000548.5(TSC2):c.1711C>G (p.Leu571Val)

Gene: TSC2 (TSC complex subunit 2; plus strand). Cytogenetic location: 16p13.3.
Variant type: single nucleotide variant.
Coding change: c.1711C>G on transcript NM_000548.5 (MANE Select); coding-DNA position 1711, C replaced by G.
Protein change: p.Leu571Val; replaces leucine 571 with valine.
Molecular consequence: missense variant. On other transcripts: non-coding transcript variant (5).
Genome position (GRCh38, 1-based): chr16:2,065,630, C>G. VCF-style: chr16-2065630-C-G. GRCh37 (hg19) VCF-style: chr16-2115631-C-G.
Other names: c.1711C>G, p.Leu571Val (NM_001077183.3, NM_001114382.3, NM_001363528.2 and 6 more transcripts); c.1600C>G, p.Leu534Val (NM_001318827.2, NM_001406670.1, NM_001406678.1); c.1564C>G, p.Leu522Val (NM_001318829.2, NM_001406675.1, NM_001406676.1 and 1 more transcripts); c.1111C>G, p.Leu371Val (NM_001318831.2, NM_001406680.1, NM_001406682.1 and 6 more transcripts); c.1744C>G, p.Leu582Val (NM_001318832.2); c.1249C>G, p.Leu417Val (NM_001406681.1); c.1801C>G, p.Leu601Val (NM_001406667.1, NM_001406668.1); c.1699C>G, p.Leu567Val (NM_001406671.1, NM_001406673.1); and 3 more; short protein forms L371V, L522V, L601V, L37V, L534V, L567V, L123V, L552V.
Identifiers: ClinVar variation 3974654 (VCV003974654.1).